The following is an entry in ClinVar:

NM_199420.4(POLQ):c.2686G>A (p.Val896Met)

Gene: POLQ (DNA polymerase theta; minus strand). Cytogenetic location: 3q13.33.
Variant type: single nucleotide variant.
Coding change: c.2686G>A on transcript NM_199420.4 (MANE Select); coding-DNA position 2686, G replaced by A.
Protein change: p.Val896Met; replaces valine 896 with methionine.
Molecular consequence: missense variant.
Genome position (GRCh38, 1-based): chr3:121,490,245, C>T on the plus strand (G>A on the coding strand, the complement: POLQ is on the minus strand). VCF-style: chr3-121490245-C-T. GRCh37 (hg19) VCF-style: chr3-121209092-C-T.
Other names: short protein forms V896M.
Identifiers: ClinVar variation 1794728 (VCV001794728.3), dbSNP rs754229064, ClinGen allele CA2563199.

ClinVar aggregate classification (germline): Uncertain significance (1 of 4 stars; one submission).

Allele frequency attached by ClinVar (database versions not stated): gnomAD 0.00001; ExAC 0.00002; gnomAD exomes 0.00003.

Submission:

Ambry Genetics
Classification: Uncertain significance. Last evaluated: 2024-04-25. Review status: criteria provided, single submitter. Criteria: Ambry Variant Classification Scheme 2023. Collection method: clinical testing. Allele origin: germline.
Comment: The p.V896M variant (also known as c.2686G>A), located in coding exon 16 of the POLQ gene, results from a G to A substitution at nucleotide position 2686. The valine at codon 896 is replaced by methionine, an amino acid with highly similar properties. This amino acid position is conserved. In addition, this alteration is predicted to be tolerated by in silico analysis. Since supporting evidence is limited at this time, the clinical significance of this alteration remains unclear.